The following is an entry in ClinVar:

NM_001365951.3(KIF1B):c.5006T>A (p.Ile1669Asn)

Gene: KIF1B (kinesin family member 1B; plus strand). Cytogenetic location: 1p36.22.
Variant type: single nucleotide variant.
Coding change: c.5006T>A on transcript NM_001365951.3 (MANE Select); coding-DNA position 5006, T replaced by A.
Protein change: p.Ile1669Asn; replaces isoleucine 1669 with asparagine.
Molecular consequence: missense variant.
Genome position (GRCh38, 1-based): chr1:10,374,375, T>A. VCF-style: chr1-10374375-T-A. GRCh37 (hg19) VCF-style: chr1-10434433-T-A.
Other names: c.5006T>A, p.Ile1669Asn (NM_001365952.1); c.4868T>A, p.Ile1623Asn (NM_015074.3); short protein forms I1623N, I1669N.
Identifiers: ClinVar variation 1743676 (VCV001743676.2), dbSNP rs2521977721, ClinGen allele CA338329101.

ClinVar aggregate classification (germline): Uncertain significance (1 of 4 stars; one submission).

Submission:

Ambry Genetics
Classification: Uncertain significance. Last evaluated: 2024-03-14. Review status: criteria provided, single submitter. Criteria: Ambry Variant Classification Scheme 2023. Collection method: clinical testing. Allele origin: germline.
Comment: The p.I1623N variant (also known as c.4868T>A), located in coding exon 43 of the KIF1B gene, results from a T to A substitution at nucleotide position 4868. The isoleucine at codon 1623 is replaced by asparagine, an amino acid with dissimilar properties. This amino acid position is not well conserved in available vertebrate species. In addition, this alteration is predicted to be tolerated by in silico analysis. Since supporting evidence is limited at this time, the clinical significance of this alteration remains unclear.